The following is an entry in ClinVar:

NM_000179.3(MSH6):c.2616A>C (p.Ile872=)

Gene: MSH6 (mutS homolog 6; plus strand). Cytogenetic location: 2p16.3.
Variant type: single nucleotide variant.
Coding change: c.2616A>C on transcript NM_000179.3 (MANE Select); coding-DNA position 2616, A replaced by C.
Protein change: p.Ile872=; no amino-acid change (isoleucine 872 retained).
Molecular consequence: synonymous variant. On other transcripts: non-coding transcript variant (5), intron variant (3).
Genome position (GRCh38, 1-based): chr2:47,800,599, A>C. VCF-style: chr2-47800599-A-C. GRCh37 (hg19) VCF-style: chr2-48027738-A-C.
Other names: c.2226A>C, p.Ile742= (NM_001281492.2); c.1710A>C, p.Ile570= (NM_001281493.2, NM_001281494.2, NM_001406811.1 and 6 more transcripts); c.2712A>C, p.Ile904= (NM_001406795.1, NM_001406802.1); c.2616A>C, p.Ile872= (NM_001406796.1, NM_001406798.1, NM_001406800.1 and 2 more transcripts); c.2319A>C, p.Ile773= (NM_001406797.1, NM_001406801.1, NM_001406805.1 and 10 more transcripts); c.2091A>C, p.Ile697= (NM_001406799.1, NM_001406806.1, NM_001406807.1); c.2538A>C, p.Ile846= (NM_001406804.1); c.2622A>C, p.Ile874= (NM_001406813.1); and 4 more.
Identifiers: ClinVar variation 3904407 (VCV003904407.1).

ClinVar aggregate classification (germline): Benign (1 of 4 stars; one submission).

Conditions:
Lynch syndrome 5 (LYNCH5). Also called: Colorectal cancer, hereditary nonpolyposis, type 5; Hereditary non-polyposis colorectal cancer, type 5. Identifiers: Orphanet 144, MedGen C1833477, MONDO:0013710, OMIM 614350. Disease mechanism: loss of function.

Submission:

Myriad Genetics, Inc.
Classification: Benign for Lynch syndrome 5. Last evaluated: 2024-12-31. Review status: criteria provided, single submitter. Criteria: Myriad Autosomal Dominant, Autosomal Recessive and X-Linked Classification Criteria (2023). Collection method: clinical testing. Allele origin: unknown.
Comment: This variant is considered benign. This variant is a silent/synonymous amino acid change and it is not expected to impact splicing.